The following is an entry in ClinVar:

Conditions:
Breast-ovarian cancer, familial, susceptibility to, 1 (BROVCA1). Also called: BRCA1 Hereditary Breast and Ovarian Cancer; OVARIAN CANCER, SUSCEPTIBILITY TO. Identifiers: Orphanet 145, MedGen C2676676, MONDO:0011450, OMIM 604370. Disease mechanism: loss of function.

Submission:

Brotman Baty Institute, University of Washington
No classification provided (evidence only). Condition: Breast-ovarian cancer, familial 1. Review status: no classification provided. Collection method: in vitro. Allele origin: not applicable. Functional consequence: functionally_normal.
ClinVar note: "not provided" was previously submitted as the classification for the variant. However, the classification appeared to be based only on an observation of functional data so it was converted to no classification on 2025-07-30.

NM_007294.4(BRCA1):c.87G>C (p.Glu29Asp)

Gene: BRCA1 (BRCA1 DNA repair associated; minus strand). Cytogenetic location: 17q21.31.
Variant type: single nucleotide variant.
Coding change: c.87G>C on transcript NM_007294.4 (MANE Select); coding-DNA position 87, G replaced by C.
Protein change: p.Glu29Asp; replaces glutamic acid 29 with aspartic acid.
Molecular consequence: missense variant. On other transcripts: non-coding transcript variant (1), intron variant (1).
Genome position (GRCh38, 1-based): chr17:43,115,773, C>G on the plus strand (G>C on the coding strand, the complement: BRCA1 is on the minus strand). VCF-style: chr17-43115773-C-G. GRCh37 (hg19) VCF-style: chr17-41267790-C-G.
Other names: c.87G>C, p.Glu29Asp (NM_001407587.1, NM_001407590.1, NM_001407591.1 and 192 more transcripts); c.-171G>C (NM_001407731.1, NM_001407733.1, NM_001407746.1 and 13 more transcripts); c.-55G>C (NM_001407734.1, NM_001407735.1, NM_001407737.1 and 47 more transcripts); c.-51G>C (NM_001407841.1); c.-102G>C (NM_001407853.1, NM_001407879.1, NM_001407882.1 and 52 more transcripts); c.-218G>C (NM_001407889.1, NM_001407900.1, NM_001408492.1); c.-217G>C (NM_001407960.1, NM_001407962.1, NM_001408510.1 and 1 more transcripts); c.-333G>C (NM_001407965.1); and 2 more; short protein forms E29D.
Identifiers: ClinVar variation 868126 (VCV000868126.3), dbSNP rs1343667553, ClinGen allele CA10601981.